The following is an entry in ClinVar:

ClinVar aggregate classification (germline): Likely pathogenic. Review status: criteria provided, multiple submitters, no conflicts (2 of 4 stars). 2 submissions from 2 submitters: Likely pathogenic (2). Last evaluated 2020-06-10.

Conditions:
Marfan syndrome (MFS). Also called: FBN1-Related Marfan Syndrome; Marfan's syndrome; MARFAN SYNDROME, TYPE I; Marfan syndrome type 1; Marfan syndrome, classic. Identifiers: Orphanet 284963, Orphanet 558, MedGen C0024796, MONDO:0007947, OMIM 154700.
Familial thoracic aortic aneurysm and aortic dissection (TAAD). Also called: Thoracic aortic aneurysms and dissections. Identifiers: Orphanet 91387, MedGen C4707243, MONDO:0019625.

Submissions (2):

Labcorp Genetics (formerly Invitae), Labcorp
Classification: Likely pathogenic for Marfan syndrome; Familial thoracic aortic aneurysm and aortic dissection. Last evaluated: 2020-06-10. Review status: criteria provided, single submitter. Criteria: Invitae Variant Classification Sherloc (09022015). Collection method: clinical testing. Allele origin: germline.
Comment: In summary, the currently available evidence indicates that the variant is pathogenic, but additional data are needed to prove that conclusively. Therefore, this variant has been classified as Likely Pathogenic. Donor and acceptor splice site variants typically lead to a loss of protein function (PMID: 16199547), and loss-of-function variants in FBN1 are known to be pathogenic (PMID: 17657824, 19293843). Algorithms developed to predict the effect of sequence changes on RNA splicing suggest that this variant may disrupt the consensus splice site, but this prediction has not been confirmed by published transcriptional studies. Disruption of this splice site has been observed in an individual affected with Marfan syndrome (PMID: 17657824). This variant is not present in population databases (ExAC no frequency). This sequence change affects an acceptor splice site in intron 26 of the FBN1 gene. It is expected to disrupt RNA splicing and likely results in an absent or disrupted protein product.

Juno Genomics, Hangzhou Juno Genomics, Inc
Classification: Likely pathogenic for Marfan syndrome. Review status: criteria provided, single submitter. Criteria: ACMG Guidelines, 2015. Collection method: clinical testing. Allele origin: germline. Affected: yes.
Comment: Null variant in a gene where loss of function (LOF) is a known mechanism of disease.;Absent from controls (or at extremely low frequency if recessive) in Genome Aggregation Database, Exome Sequencing Project, 1000 Genomes Project, or Exome Aggregation Consortium.;Patient's phenotype or family history is highly specific for a disease with a single genetic etiology.

Literature cited by the submitters: PubMed 16199547 (cited by Labcorp Genetics (formerly Invitae), Labcorp); PubMed 17657824 (cited by Labcorp Genetics (formerly Invitae), Labcorp); PubMed 19293843 (cited by Labcorp Genetics (formerly Invitae), Labcorp).

NM_000138.5(FBN1):c.3209-2A>C

Gene: FBN1 (fibrillin 1; minus strand). Cytogenetic location: 15q21.1.
Variant type: single nucleotide variant.
Coding change: c.3209-2A>C on transcript NM_000138.5 (MANE Select); the canonical splice acceptor site of the intron before coding-DNA position 3209, A replaced by C.
Molecular consequence: splice acceptor variant.
Genome position (GRCh38, 1-based): chr15:48,488,243, T>G on the plus strand (A>C on the coding strand, the complement: FBN1 is on the minus strand). VCF-style: chr15-48488243-T-G. GRCh37 (hg19) VCF-style: chr15-48780440-T-G.
Other names: c.3209-2A>C (NM_001406716.1).
Identifiers: ClinVar variation 843847 (VCV000843847.12), dbSNP rs2043526284, ClinGen allele CA392327779.